The following is an entry in ClinVar:

NM_004526.4(MCM2):c.1560C>T (p.Leu520=)

Gene: MCM2 (minichromosome maintenance complex component 2; plus strand). Cytogenetic location: 3q21.3.
Variant type: single nucleotide variant.
Coding change: c.1560C>T on transcript NM_004526.4 (MANE Select); coding-DNA position 1560, C replaced by T.
Protein change: p.Leu520=; no amino-acid change (leucine 520 retained).
Molecular consequence: synonymous variant. On other transcripts: non-coding transcript variant (1).
Genome position (GRCh38, 1-based): chr3:127,616,905, C>T. VCF-style: chr3-127616905-C-T. GRCh37 (hg19) VCF-style: chr3-127335748-C-T.
Identifiers: ClinVar variation 730292 (VCV000730292.15), dbSNP rs57045995, ClinGen allele CA2595951.

ClinVar aggregate classification (germline): Benign/Likely benign. Review status: criteria provided, multiple submitters, no conflicts (2 of 4 stars). 5 submissions from 5 submitters: Benign (3); Likely benign (1). 1 of the submissions does not count toward it. Last evaluated 2025-12-15.

Conditions:
MCM2-related disorder. Also called: MCM2-related condition.

Allele frequency attached by ClinVar (database versions not stated): gnomAD exomes 0.00020 and 0.00050; ExAC 0.00063; 1000 Genomes Project 0.00200; gnomAD 0.00200 and 0.00220; 1000 Genomes Project 30x 0.00203; TOPMed 0.00226; ESP Exome Variant Server 0.00238.
gnomAD v4.1: 598 of 1,614,172 alleles (0.037%); highest among the groups gnomAD compares: African/African-American, 0.73%; 5 homozygotes.

Submissions (5):

Labcorp Genetics (formerly Invitae), Labcorp
Classification: Benign. Last evaluated: 2025-12-15. Review status: criteria provided, single submitter. Criteria: Invitae Variant Classification Sherloc (09022015). Collection method: clinical testing. Allele origin: germline.

Blueprint Genetics
Classification: Likely benign. Last evaluated: 2024-11-25. Review status: criteria provided, single submitter. Criteria: ACMG Guidelines, 2015. Collection method: clinical testing. Allele origin: germline.

GeneDx
Classification: Benign. Last evaluated: 2019-12-24. Review status: criteria provided, single submitter. Criteria: GeneDx Variant Classification Process June 2021. Collection method: clinical testing. Allele origin: germline. Affected: yes.

Breakthrough Genomics
Classification: Benign. Review status: criteria provided, single submitter. Criteria: ACMG Guidelines, 2015. Collection method: not provided. Allele origin: germline. Inheritance: Autosomal dominant inheritance. Affected: yes.

PreventionGenetics, part of Exact Sciences
Classification: Benign for MCM2-related condition. Last evaluated: 2020-12-14. Review status: no assertion criteria provided. Collection method: clinical testing. Allele origin: germline. Not counted in ClinVar's aggregate classification.
Comment: This variant is classified as benign based on ACMG/AMP sequence variant interpretation guidelines (Richards et al. 2015 PMID: 25741868, with internal and published modifications).